The following is an entry in ClinVar:

NM_001384140.1(PCDH15):c.2088_2089insA (p.Gly697fs)

Gene: PCDH15 (protocadherin related 15; minus strand). Cytogenetic location: 10q21.1.
Variant type: Insertion.
Coding change: c.2088_2089insA on transcript NM_001384140.1 (MANE Select); coding-DNA positions 2088 to 2089, A inserted.
Protein change: p.Gly697fs; shifts the reading frame from glycine 697.
Molecular consequence: frameshift variant.
Genome position: GRCh38 VCF-style: chr10-54079333-C-CT. GRCh37 (hg19) VCF-style: chr10-55839093-C-CT.
Other names: c.2103_2104insA, p.Gly702fs (NM_001142771.2, NM_001142763.2); c.2088_2089insA, p.Gly697fs (NM_001142772.2, NM_001354420.2, NM_001354429.2 and 5 more transcripts); c.2022_2023insA, p.Gly675fs (NM_001142773.2, NM_001354404.2, NM_001142768.2); c.2109_2110insA, p.Gly704fs (NM_001354411.2); c.1875_1876insA, p.Gly626fs (NM_001142765.2); c.1977_1978insA, p.Gly660fs (NM_001142767.2); c.2124_2125insA, p.Gly709Argfs (NM_001142769.4); short protein forms G626fs, G660fs, G675fs, G697fs, G702fs, G704fs, G709fs.
Identifiers: ClinVar variation 1076709 (VCV001076709.7), dbSNP rs2135947078, ClinGen allele CA2499220274.

ClinVar aggregate classification (germline): Pathogenic (1 of 4 stars; one submission).

Submission:

Labcorp Genetics (formerly Invitae), Labcorp
Classification: Pathogenic. Last evaluated: 2022-10-24. Review status: criteria provided, single submitter. Criteria: Invitae Variant Classification Sherloc (09022015). Collection method: clinical testing. Allele origin: germline.
Comment: This sequence change creates a premature translational stop signal (p.Gly697Argfs*16) in the PCDH15 gene. It is expected to result in an absent or disrupted protein product. Loss-of-function variants in PCDH15 are known to be pathogenic (PMID: 11398101, 11487575, 14570705). This variant is not present in population databases (gnomAD no frequency). For these reasons, this variant has been classified as Pathogenic. ClinVar contains an entry for this variant (Variation ID: 1076709). This variant has not been reported in the literature in individuals affected with PCDH15-related conditions.

Literature cited by the submitters: PubMed 11398101; PubMed 11487575; PubMed 14570705.